The following is an entry in ClinVar:

ClinVar aggregate classification (germline): Uncertain significance. Review status: criteria provided, multiple submitters, no conflicts (2 of 4 stars). 2 submissions from 2 submitters: Uncertain significance (2). Last evaluated 2025-11-27.

Conditions:
Inborn genetic diseases. Identifiers: MedGen C0950123, MeSH D030342.
EPILEPSY, CHILDHOOD ABSENCE, SUSCEPTIBILITY TO, 2 (ECA2). Identifiers: Orphanet 64280, MedGen C1843244, OMIM 607681.
Febrile seizures, familial, 8 (FEB8). Also called: CONVULSIONS, FAMILIAL FEBRILE, 8. Identifiers: Orphanet 36387, MedGen C1969810, MONDO:0011891, OMIM 607681.

Allele frequency attached by ClinVar (database versions not stated): gnomAD 0.00001; TOPMed 0.00001.
gnomAD v4.1: 3 of 1,613,870 alleles (0.00019%); highest among the groups gnomAD compares: African/African-American, 0.0027%; no homozygotes.

Submissions (2):

Labcorp Genetics (formerly Invitae), Labcorp
Classification: Uncertain significance for Febrile seizures, familial, 8; EPILEPSY, CHILDHOOD ABSENCE, SUSCEPTIBILITY TO, 2. Last evaluated: 2025-11-27. Review status: criteria provided, single submitter. Criteria: Invitae Variant Classification Sherloc (09022015). Collection method: clinical testing. Allele origin: germline.
Comment: This sequence change replaces glutamic acid, which is acidic and polar, with alanine, which is neutral and non-polar, at codon 228 of the GABRG2 protein (p.Glu228Ala). This variant is not present in population databases (gnomAD no frequency). This variant has not been reported in the literature in individuals affected with GABRG2-related conditions. ClinVar contains an entry for this variant (Variation ID: 1491728). Invitae Evidence Modeling of protein sequence and biophysical properties (such as structural, functional, and spatial information, amino acid conservation, physicochemical variation, residue mobility, and thermodynamic stability) has been performed for this missense variant. However, the output from this modeling did not meet the statistical confidence thresholds required to predict the impact of this variant on GABRG2 protein function. In summary, the available evidence is currently insufficient to determine the role of this variant in disease. Therefore, it has been classified as a Variant of Uncertain Significance.

Ambry Genetics
Classification: Uncertain significance for Inborn genetic diseases. Last evaluated: 2025-03-15. Review status: criteria provided, single submitter. Criteria: Ambry Variant Classification Scheme 2023. Collection method: clinical testing. Allele origin: germline.

NM_198904.4(GABRG2):c.683A>C (p.Glu228Ala)

Gene: GABRG2 (gamma-aminobutyric acid type A receptor subunit gamma2; plus strand). Cytogenetic location: 5q34.
Variant type: single nucleotide variant.
Coding change: c.683A>C on transcript NM_198904.4 (MANE Select); coding-DNA position 683, A replaced by C.
Protein change: p.Glu228Ala; replaces glutamic acid 228 with alanine.
Molecular consequence: missense variant.
Genome position (GRCh38, 1-based): chr5:162,103,940, A>C. VCF-style: chr5-162103940-A-C. GRCh37 (hg19) VCF-style: chr5-161530946-A-C.
Other names: c.683A>C, p.Glu228Ala (NM_000816.3, NM_001375340.1, NM_001375341.1 and 2 more transcripts); c.674A>C, p.Glu225Ala (NM_001375339.1); c.803A>C, p.Glu268Ala (NM_001375343.1, NM_198903.2); c.617A>C, p.Glu206Ala (NM_001375345.1, NM_001375346.1); c.596A>C, p.Glu199Ala (NM_001375347.1); c.263A>C, p.Glu88Ala (NM_001375348.1, NM_001375350.1); c.398A>C, p.Glu133Ala (NM_001375349.1); short protein forms E88A, E206A, E225A, E199A, E228A, E268A, E133A.
Identifiers: ClinVar variation 1491728 (VCV001491728.9), dbSNP rs903838076, ClinGen allele CA131112330.